The following is an entry in ClinVar:

ClinVar aggregate classification (germline): Uncertain significance. Review status: criteria provided, multiple submitters, no conflicts (2 of 4 stars). 3 submissions from 3 submitters: Uncertain significance (2). 1 of the submissions does not count toward it. Last evaluated 2023-02-26.

Conditions:
Cardiomyopathy (CMYO). Also called: Cardiomyopathies. Identifiers: Orphanet 167848, MedGen C0878544, MONDO:0004994, HP:0001638. Inheritance: Various modes of inheritance.
Duchenne muscular dystrophy (DMD). Also called: MUSCULAR DYSTROPHY, PSEUDOHYPERTROPHIC PROGRESSIVE, DUCHENNE TYPE; Duchenne Muscular Dystrophy (DMD). Identifiers: Orphanet 98896, MedGen C0013264, MONDO:0010679, OMIM 310200.
Becker muscular dystrophy (BMD). Also called: MUSCULAR DYSTROPHY, PSEUDOHYPERTROPHIC PROGRESSIVE, BECKER TYPE; Becker Muscular Dystrophy (BMD). Identifiers: Orphanet 98895, MedGen C0917713, MONDO:0010311, OMIM 300376.
Dystrophin deficiency.

Submissions (3):

Labcorp Genetics (formerly Invitae), Labcorp
Classification: Uncertain significance for Duchenne muscular dystrophy. Last evaluated: 2023-02-26. Review status: criteria provided, single submitter. Criteria: Invitae Variant Classification Sherloc (09022015). Collection method: clinical testing. Allele origin: germline.
Comment: Algorithms developed to predict the effect of sequence changes on RNA splicing suggest that this variant may disrupt the consensus splice site. ClinVar contains an entry for this variant (Variation ID: 594249). This variant has not been reported in the literature in individuals affected with DMD-related conditions. This variant is not present in population databases (gnomAD no frequency). This sequence change affects codon 1258 of the DMD mRNA. It is a 'silent' change, meaning that it does not change the encoded amino acid sequence of the DMD protein. In summary, the available evidence is currently insufficient to determine the role of this variant in disease. Therefore, it has been classified as a Variant of Uncertain Significance.

Eurofins Ntd Llc (ga)
Classification: Uncertain significance. Last evaluated: 2017-10-06. Review status: criteria provided, single submitter. Criteria: EGL Classification Definitions 2015. Collection method: clinical testing. Allele origin: germline. Observed: 1 variant allele, 1 hemizygote.

Natera, Inc.
Classification: Uncertain significance for Becker muscular dystrophy; Cardiomyopathy; Duchenne muscular dystrophy; Dystrophin deficiency. Last evaluated: 2019-08-12. Review status: no assertion criteria provided. Collection method: clinical testing. Allele origin: germline. Not counted in ClinVar's aggregate classification.

NM_004006.3(DMD):c.3774C>T (p.Cys1258=)

Gene: DMD (dystrophin; minus strand). Cytogenetic location: Xp21.1.
Variant type: single nucleotide variant.
Coding change: c.3774C>T on transcript NM_004006.3 (MANE Select); coding-DNA position 3774, C replaced by T.
Protein change: p.Cys1258=; no amino-acid change (cysteine 1258 retained).
Molecular consequence: synonymous variant.
Genome position (GRCh38, 1-based): chrX:32,448,468, G>A on the plus strand (C>T on the coding strand, the complement: DMD is on the minus strand). VCF-style: chrX-32448468-G-A. GRCh37 (hg19) VCF-style: chrX-32466585-G-A.
Other names: c.3750C>T, p.Cys1250= (NM_000109.4); c.3762C>T, p.Cys1254= (NM_004009.3); c.3405C>T, p.Cys1135= (NM_004010.3).
Identifiers: ClinVar variation 594249 (VCV000594249.14), dbSNP rs1569562933, ClinGen allele CA515714948.